The following is an entry in ClinVar:

NM_001365999.1(SZT2):c.447C>G (p.Ile149Met)

Gene: SZT2 (SZT2 subunit of KICSTOR complex; plus strand). Cytogenetic location: 1p34.2.
Variant type: single nucleotide variant.
Coding change: c.447C>G on transcript NM_001365999.1 (MANE Select); coding-DNA position 447, C replaced by G.
Protein change: p.Ile149Met; replaces isoleucine 149 with methionine.
Molecular consequence: missense variant.
Genome position (GRCh38, 1-based): chr1:43,404,499, C>G. VCF-style: chr1-43404499-C-G. GRCh37 (hg19) VCF-style: chr1-43870170-C-G.
Other names: c.447C>G, p.Ile149Met (NM_015284.4); short protein forms I149M.
Identifiers: ClinVar variation 1942144 (VCV001942144.5), dbSNP rs1335585469, ClinGen allele CA339997757.

ClinVar aggregate classification (germline): Uncertain significance (1 of 4 stars; one submission).

Allele frequency attached by ClinVar (database versions not stated): TOPMed below 0.00001; gnomAD 0.00002.
gnomAD v4.1: 3 of 1,613,864 alleles (0.00019%); highest among the groups gnomAD compares: African/African-American, 0.004%; no homozygotes.

Submission:

Labcorp Genetics (formerly Invitae), Labcorp
Classification: Uncertain significance. Last evaluated: 2022-10-30. Review status: criteria provided, single submitter. Criteria: Invitae Variant Classification Sherloc (09022015). Collection method: clinical testing. Allele origin: germline.
Comment: In summary, the available evidence is currently insufficient to determine the role of this variant in disease. Therefore, it has been classified as a Variant of Uncertain Significance. Advanced modeling of protein sequence and biophysical properties (such as structural, functional, and spatial information, amino acid conservation, physicochemical variation, residue mobility, and thermodynamic stability) performed at Invitae indicates that this missense variant is not expected to disrupt SZT2 protein function. This variant has not been reported in the literature in individuals affected with SZT2-related conditions. This variant is present in population databases (no rsID available, gnomAD 0.01%). This sequence change replaces isoleucine, which is neutral and non-polar, with methionine, which is neutral and non-polar, at codon 149 of the SZT2 protein (p.Ile149Met).